The following is an entry in ClinVar:

ClinVar aggregate classification (germline): Likely benign. Review status: criteria provided, single submitter (1 of 4 stars). 2 submissions from 2 submitters: Likely benign (1). 1 of the submissions does not count toward it. Last evaluated 2021-08-09.

Conditions:
Inborn genetic diseases. Identifiers: MedGen C0950123, MeSH D030342.
VAMP2-related disorder. Also called: VAMP2-related condition.

Allele frequency attached by ClinVar (database versions not stated): gnomAD exomes 0.00004; ExAC 0.00009; 1000 Genomes Project 0.00020; 1000 Genomes Project 30x 0.00031; ESP Exome Variant Server 0.00031; TOPMed 0.00039; gnomAD 0.00041.

Submissions (2):

Ambry Genetics
Classification: Likely benign for Inborn genetic diseases. Last evaluated: 2021-08-09. Review status: criteria provided, single submitter. Criteria: Ambry Variant Classification Scheme 2023. Collection method: clinical testing. Allele origin: germline.

PreventionGenetics, part of Exact Sciences
Classification: Likely benign for VAMP2-related condition. Last evaluated: 2019-06-04. Review status: no assertion criteria provided. Collection method: clinical testing. Allele origin: germline. Not counted in ClinVar's aggregate classification.
Comment: This variant is classified as likely benign based on ACMG/AMP sequence variant interpretation guidelines (Richards et al. 2015 PMID: 25741868, with internal and published modifications).

NM_014232.3(VAMP2):c.124-3C>T

Gene: VAMP2 (vesicle associated membrane protein 2; minus strand). Cytogenetic location: 17p13.1.
Variant type: single nucleotide variant.
Coding change: c.124-3C>T on transcript NM_014232.3 (MANE Select); 3 bases into the intron before coding-DNA position 124, C replaced by T.
Molecular consequence: intron variant.
Genome position (GRCh38, 1-based): chr17:8,161,769, G>A on the plus strand (C>T on the coding strand, the complement: VAMP2 is on the minus strand). VCF-style: chr17-8161769-G-A. GRCh37 (hg19) VCF-style: chr17-8065087-G-A.
Other names: c.130-3C>T (NM_001330125.1).
Identifiers: ClinVar variation 2229982 (VCV002229982.4), dbSNP rs369941263, ClinGen allele CA8370375.